The following is an entry in ClinVar:

ClinVar aggregate classification (germline): Uncertain significance (1 of 4 stars; one submission).

Conditions:
Early onset severe obesity. Identifiers: MedGen C4013980.

Submission:

Cambridge Genomics Laboratory, East Genomic Laboratory Hub, NHS Genomic Medicine Service
Classification: Uncertain significance for Severe early-onset obesity. Last evaluated: 2025-03-06. Review status: criteria provided, single submitter. Criteria: ACGS Best Practice Guidelines for Variant Classification in Rare Disease 2020. Collection method: clinical testing. Allele origin: germline. Affected: yes.
Comment: PM2,PP2,PP3

NM_000516.7(GNAS):c.1157T>C (p.Met386Thr)

Gene: GNAS (GNAS complex locus; plus strand). Cytogenetic location: 20q13.32.
Variant type: single nucleotide variant.
Coding change: c.1157T>C on transcript NM_000516.7 (MANE Select); coding-DNA position 1157, T replaced by C.
Protein change: p.Met386Thr; replaces methionine 386 with threonine.
Molecular consequence: missense variant. On other transcripts: 3 prime UTR variant (2).
Genome position (GRCh38, 1-based): chr20:58,910,801, T>C. VCF-style: chr20-58910801-T-C. GRCh37 (hg19) VCF-style: chr20-57485856-T-C.
Other names: c.1112T>C, p.Met371Thr (NM_001077489.4); c.*1018T>C (NM_001077490.3); c.980T>C, p.Met327Thr (NM_001309840.2, NM_001309861.2, NM_001438276.1 and 1 more transcripts); c.1061T>C, p.Met354Thr (NM_001410912.1); c.3041T>C, p.Met1014Thr (NM_001410913.1); c.935T>C, p.Met312Thr (NM_001438273.1, NM_001438274.1, NM_001438275.1); c.1160T>C, p.Met387Thr (NM_001077488.5); c.*1063T>C (NM_016592.5); and 2 more; short protein forms M1014T, M1029T, M312T, M327T, M354T, M371T, M372T, M386T.
Identifiers: ClinVar variation 4683153 (VCV004683153.1).